The following is an entry in ClinVar:

NM_000460.4(THPO):c.469C>T (p.Arg157Ter)

Gene: THPO (thrombopoietin; minus strand). Cytogenetic location: 3q27.1.
Variant type: single nucleotide variant.
Coding change: c.469C>T on transcript NM_000460.4 (MANE Select); coding-DNA position 469, C replaced by T.
Protein change: p.Arg157Ter; replaces arginine 157 with a stop codon.
Molecular consequence: nonsense. On other transcripts: missense variant (2).
Genome position (GRCh38, 1-based): chr3:184,373,106, G>A on the plus strand (C>T on the coding strand, the complement: THPO is on the minus strand). VCF-style: chr3-184373106-G-A. GRCh37 (hg19) VCF-style: chr3-184090894-G-A.
Other names: c.457C>T, p.Arg153Ter (NM_001177597.2, NM_001290022.1); c.452C>T, p.Pro151Leu (NM_001177598.2, NM_001290026.1); c.469C>T, p.Arg157Ter (NM_001289997.1, NM_001289998.1, NM_001290027.1 and 1 more transcripts); c.889C>T, p.Arg297Ter (NM_001290003.1); short protein forms P151L, R153*, R157*, R297*.
Identifiers: ClinVar variation 1298946 (VCV001298946.39), dbSNP rs1412486198, ClinGen allele CA355462449.

ClinVar aggregate classification (germline): Conflicting classifications of pathogenicity. Review status: criteria provided, conflicting classifications (1 of 4 stars). 5 submissions from 5 submitters: Pathogenic (3); Uncertain significance (1). 1 of the submissions does not count toward it. Last evaluated 2024-12-19.

Conditions:
Thrombocytopenia. Identifiers: MedGen C0040034, MeSH D013921, MONDO:0002049, HP:0001873.
Amegakaryocytic thrombocytopenia, congenital, 2 (CAMT2). Identifiers: MedGen C5882679, MONDO:0957575, OMIM 620481.

Allele frequency attached by ClinVar (database versions not stated): gnomAD 0.00001.

Submissions (5):

Genomic Medicine Center of Excellence, King Faisal Specialist Hospital and Research Centre
Classification: Pathogenic for Amegakaryocytic thrombocytopenia, congenital, 2. Last evaluated: 2024-12-19. Review status: criteria provided, single submitter. Criteria: ACMG Guidelines, 2015. Collection method: clinical testing. Allele origin: germline.

CeGaT Center for Human Genetics Tuebingen
Classification: Pathogenic. Last evaluated: 2023-09-01. Review status: criteria provided, single submitter. Criteria: CeGaT Center For Human Genetics Tuebingen Variant Classification Criteria Version 2. Collection method: clinical testing. Allele origin: germline. Affected: yes. Observed: 2 variant alleles.
Comment: THPO: PVS1, PM2

Blueprint Genetics
Classification: Uncertain significance. Last evaluated: 2021-09-30. Review status: criteria provided, single submitter. Criteria: ACMG Guidelines, 2015. Collection method: clinical testing. Allele origin: germline.

ISTH-SSC Genomics in Thrombosis and Hemostasis, KU Leuven, Center for Molecular and Vascular Biology
Classification: Pathogenic for Thrombocytopenia. Review status: criteria provided, single submitter. Criteria: ACMG Guidelines, 2015. Collection method: clinical testing. Allele origin: germline. Affected: yes. Observed: 4 heterozygotes. Clinical features observed: Thrombocytopenia.
Comment: Submitted to the GoldVariant database by Dr Marie-Christine Morel-Kopp; Northern Blood Research Centre, Sydney, Australia

OMIM
Classification: Pathogenic for AMEGAKARYOCYTIC THROMBOCYTOPENIA, CONGENITAL, 2. Last evaluated: 2023-09-05. Review status: no assertion criteria provided. Collection method: literature only. Allele origin: germline. Not counted in ClinVar's aggregate classification.

Literature cited by the submitters: PubMed 28559357 (cited by OMIM).